The following is an entry in ClinVar:

NM_001099274.3(TINF2):c.415T>G (p.Tyr139Asp)

Gene: TINF2 (TERF1 interacting nuclear factor 2; minus strand). Cytogenetic location: 14q12.
Variant type: single nucleotide variant.
Coding change: c.415T>G on transcript NM_001099274.3 (MANE Select); coding-DNA position 415, T replaced by G.
Protein change: p.Tyr139Asp; replaces tyrosine 139 with aspartic acid.
Molecular consequence: missense variant.
Genome position (GRCh38, 1-based): chr14:24,241,296, A>C on the plus strand (T>G on the coding strand, the complement: TINF2 is on the minus strand). VCF-style: chr14-24241296-A-C. GRCh37 (hg19) VCF-style: chr14-24710502-A-C.
Other names: c.310T>G, p.Tyr104Asp (NM_001363668.2); c.415T>G, p.Tyr139Asp (NM_012461.3); short protein forms Y139D, Y104D.
Identifiers: ClinVar variation 2861644 (VCV002861644.3), dbSNP rs2502461667, ClinGen allele CA389232103.
Genomic context (GRCh38, chr14:24,241,296, plus strand): 5'-CCAGCTGACACAAGTACTCAAAAAGCAGCTTTTCCATGGCAGCCAGAAAGGGTTCCCCAT[A>C]CTCTTGTTCAAGTTCCTACAGCAGGGGAGATTAGGTCAAAAGTGGGTTAGTGGCCAGGCA-3'
Protein context (NP_001092744.1, residues 129-149): ASKLQELEQE[Tyr139Asp]GEPFLAAMEK

ClinVar aggregate classification (germline): Uncertain significance (1 of 4 stars; one submission).

Conditions:
Dyskeratosis congenita. Identifiers: Orphanet 1775, MedGen C0265965, MONDO:0015780.

Submission:

Labcorp Genetics (formerly Invitae), Labcorp
Classification: Uncertain significance for Dyskeratosis congenita. Last evaluated: 2023-05-02. Review status: criteria provided, single submitter. Criteria: Invitae Variant Classification Sherloc (09022015). Collection method: clinical testing. Allele origin: germline.
Comment: In summary, the available evidence is currently insufficient to determine the role of this variant in disease. Therefore, it has been classified as a Variant of Uncertain Significance. An algorithm developed to predict the effect of missense changes on protein structure and function (PolyPhen-2) suggests that this variant is likely to be disruptive. This variant has not been reported in the literature in individuals affected with TINF2-related conditions. This variant is not present in population databases (gnomAD no frequency). This sequence change replaces tyrosine, which is neutral and polar, with aspartic acid, which is acidic and polar, at codon 139 of the TINF2 protein (p.Tyr139Asp).